The following is an entry in ClinVar:

ClinVar aggregate classification (germline): Uncertain significance. Review status: criteria provided, multiple submitters, no conflicts (2 of 4 stars). 6 submissions from 6 submitters: Uncertain significance (6). Last evaluated 2026-01-28.

Conditions:
Juvenile polyposis syndrome (JPS). Identifiers: Orphanet 2929, MedGen C0345893, MONDO:0017380, OMIM 174900.
Hereditary cancer-predisposing syndrome. Also called: Hereditary neoplastic syndrome; Hereditary Cancer Syndrome; Neoplastic Syndromes, Hereditary; Tumor predisposition. Identifiers: Orphanet 140162, MedGen C0027672, MeSH D009386, MONDO:0015356.
Polyposis syndrome, hereditary mixed, 2. Identifiers: Orphanet 157794, MedGen C1864730, MONDO:0012405, OMIM 610069.

Submissions (6):

Labcorp Genetics (formerly Invitae), Labcorp
Classification: Uncertain significance for Juvenile polyposis syndrome. Last evaluated: 2026-01-28. Review status: criteria provided, single submitter. Criteria: Invitae Variant Classification Sherloc (09022015). Collection method: clinical testing. Allele origin: germline.
Comment: This variant, c.1237_1239dup, results in the insertion of 1 amino acid(s) of the BMPR1A protein (p.Leu413dup), but otherwise preserves the integrity of the reading frame. This variant is not present in population databases (gnomAD no frequency). This variant has not been reported in the literature in individuals affected with BMPR1A-related conditions. ClinVar contains an entry for this variant (Variation ID: 422008). Experimental studies and prediction algorithms are not available or were not evaluated, and the functional significance of this variant is currently unknown. In summary, the available evidence is currently insufficient to determine the role of this variant in disease. Therefore, it has been classified as a Variant of Uncertain Significance.

Ambry Genetics
Classification: Uncertain significance for Hereditary cancer-predisposing syndrome. Last evaluated: 2025-05-22. Review status: criteria provided, single submitter. Criteria: Ambry Variant Classification Scheme 2023. Collection method: clinical testing. Allele origin: germline.
Comment: The c.1237_1239dupCTG variant (also known as p.L413dup), located in coding exon 9 of the BMPR1A gene, results from an in-frame duplication of CTG at nucleotide positions 1237 to 1239. This results in the duplication of an extra leucine residue between codons 413 and 414. This amino acid position is highly conserved in available vertebrate species. In addition, this alteration is predicted to be deleterious by in silico analysis (Choi Y et al. PLoS ONE. 2012; 7(10):e46688). Since supporting evidence is limited at this time, the clinical significance of this alteration remains unclear.

All of Us Research Program, National Institutes of Health
Classification: Uncertain significance for Juvenile polyposis syndrome. Last evaluated: 2024-05-14. Review status: criteria provided, single submitter. Criteria: ACMG Guidelines, 2015. Collection method: clinical testing. Allele origin: germline. Inheritance: Autosomal dominant inheritance. Observed: 2 variant alleles, 2 heterozygotes.
Comment: This variant causes a duplication of leucine at codon 413 of the BMPR1A protein. To our knowledge, functional studies have not been reported for this variant. This variant has not been reported in individuals affected with BMPR1A-related disorders in the literature. This variant has not been identified in the general population by the Genome Aggregation Database (gnomAD). The available evidence is insufficient to determine the role of this variant in disease conclusively. Therefore, this variant is classified as a Variant of Uncertain Significance.

This study involves interpretation of variants in research participants for the purpose of population health screening. Participant phenotype was not available at the time of variant classification. Additional details can be found in publication PMID: 35346344, PMCID: PMC8962531

Baylor Genetics
Classification: Uncertain significance for Polyposis syndrome, hereditary mixed, 2. Last evaluated: 2023-09-10. Review status: criteria provided, single submitter. Criteria: ACMG Guidelines, 2015. Collection method: clinical testing. Allele origin: unknown.

Color Diagnostics, LLC DBA Color Health
Classification: Uncertain significance for Hereditary cancer-predisposing syndrome. Last evaluated: 2023-05-11. Review status: criteria provided, single submitter. Criteria: ACMG Guidelines, 2015. Collection method: clinical testing. Allele origin: germline.
Comment: This variant causes a duplication of leucine at codon 413 of the BMPR1A protein. To our knowledge, functional studies have not been reported for this variant. This variant has not been reported in individuals affected with BMPR1A-related disorders in the literature. This variant has not been identified in the general population by the Genome Aggregation Database (gnomAD). The available evidence is insufficient to determine the role of this variant in disease conclusively. Therefore, this variant is classified as a Variant of Uncertain Significance.

GeneDx
Classification: Uncertain significance. Last evaluated: 2022-11-17. Review status: criteria provided, single submitter. Criteria: GeneDx Variant Classification Process June 2021. Collection method: clinical testing. Allele origin: germline. Affected: yes.
Comment: Not observed at significant frequency in large population cohorts (gnomAD); In-frame duplication of 1 amino acid in a non-repeat region; In silico analysis supports a deleterious effect on protein structure/function; Has not been previously published as pathogenic or benign to our knowledge

NM_004329.3(BMPR1A):c.1237_1239dup (p.Leu413dup)

Gene: BMPR1A (bone morphogenetic protein receptor type 1A; plus strand). Cytogenetic location: 10q23.2.
Variant type: Duplication.
Coding change: c.1237_1239dup on transcript NM_004329.3 (MANE Select); coding-DNA positions 1237 to 1239, 3 bases duplicated (CTG; older notation c.1237_1239dupCTG).
Protein change: p.Leu413dup; duplicates leucine 413.
Molecular consequence: inframe insertion.
Genome position (GRCh38, 1-based): chr10:86,921,590-86,921,592, CTG duplicated; duplicating any 3 consecutive bases within chr10:86,921,588-86,921,592 gives the same sequence; the c. name uses the placement nearest the transcript's 3' end. VCF-style (leftmost placement, unchanged base first): chr10-86921587-G-GTGC. GRCh37 (hg19) VCF-style: chr10-88681344-G-GTGC.
Other names: c.1237_1239dupCTG (NM_004329.2).
Identifiers: ClinVar variation 422008 (VCV000422008.25), dbSNP rs1064795499, ClinGen allele CA16619010.